The following is an entry in ClinVar:

ClinVar aggregate classification (germline): Conflicting classifications of pathogenicity. Review status: criteria provided, conflicting classifications (1 of 4 stars). 6 submissions from 6 submitters: Uncertain significance (5); Likely benign (1). Last evaluated 2025-07-31.

Conditions:
Rhabdoid tumor predisposition syndrome 2 (RTPS2). Identifiers: Orphanet 231108, Orphanet 69077, MedGen C2750074, MONDO:0013224, OMIM 613325.
Hereditary cancer-predisposing syndrome. Also called: Hereditary neoplastic syndrome; Tumor predisposition; Neoplastic Syndromes, Hereditary; Hereditary Cancer Syndrome. Identifiers: Orphanet 140162, MedGen C0027672, MeSH D009386, MONDO:0015356.
Intellectual disability, autosomal dominant 16 (CSS4). Also called: COFFIN-SIRIS SYNDROME 4. Identifiers: Orphanet 1465, MedGen C3553249, MONDO:0013821, OMIM 614609.

Allele frequency attached by ClinVar (database versions not stated): gnomAD exomes below 0.00001.
gnomAD v4.1: 10 of 1,610,788 alleles (0.00062%); highest among the groups gnomAD compares: Non-Finnish European, 0.00068%; no homozygotes.

Submissions (6):

Labcorp Genetics (formerly Invitae), Labcorp
Classification: Uncertain significance for Rhabdoid tumor predisposition syndrome 2. Last evaluated: 2025-07-31. Review status: criteria provided, single submitter. Criteria: Invitae Variant Classification Sherloc (09022015). Collection method: clinical testing. Allele origin: germline.
Comment: This sequence change replaces methionine, which is neutral and non-polar, with leucine, which is neutral and non-polar, at codon 43 of the SMARCA4 protein (p.Met43Leu). This variant is present in population databases (no rsID available, gnomAD 0.001%). This variant has not been reported in the literature in individuals affected with SMARCA4-related conditions. ClinVar contains an entry for this variant (Variation ID: 484835). Invitae Evidence Modeling of protein sequence and biophysical properties (such as structural, functional, and spatial information, amino acid conservation, physicochemical variation, residue mobility, and thermodynamic stability) has been performed for this missense variant. However, the output from this modeling did not meet the statistical confidence thresholds required to predict the impact of this variant on SMARCA4 protein function. In summary, the available evidence is currently insufficient to determine the role of this variant in disease. Therefore, it has been classified as a Variant of Uncertain Significance.

CeGaT Center for Human Genetics Tuebingen
Classification: Uncertain significance. Last evaluated: 2025-03-01. Review status: criteria provided, single submitter. Criteria: CeGaT Center For Human Genetics Tuebingen Variant Classification Criteria Version 2. Collection method: clinical testing. Allele origin: germline. Affected: yes. Observed: 1 variant allele.

Quest Diagnostics Nichols Institute San Juan Capistrano
Classification: Uncertain significance. Last evaluated: 2024-01-31. Review status: criteria provided, single submitter. Criteria: Quest Diagnostics criteria. Collection method: clinical testing. Allele origin: unknown.
Comment: The SMARCA4 c.127A>T (p.Met43Leu) variant has not been reported in individuals with SMARCA4-related conditions in the published literature. The frequency of this variant in the general population, 0.0000042 (1/237984 chromosomes (Genome Aggregation Database)), is uninformative in the assessment of its pathogenicity. Analysis of this variant using bioinformatics tools for the prediction of the effect of amino acid changes on protein structure and function yielded predictions that this variant is benign. Based on the available information, we are unable to determine the clinical significance of this variant.

Baylor Genetics
Classification: Uncertain significance for Rhabdoid tumor predisposition syndrome 2. Last evaluated: 2023-07-18. Review status: criteria provided, single submitter. Criteria: ACMG Guidelines, 2015. Collection method: clinical testing. Allele origin: unknown.

Ambry Genetics
Classification: Likely benign for Hereditary cancer-predisposing syndrome. Last evaluated: 2022-03-24. Review status: criteria provided, single submitter. Criteria: Ambry Variant Classification Scheme 2023. Collection method: clinical testing. Allele origin: germline.

Genome-Nilou Lab
Classification: Uncertain significance for Intellectual disability, autosomal dominant 16. Last evaluated: 2021-07-15. Review status: criteria provided, single submitter. Criteria: ACMG Guidelines, 2015. Collection method: clinical testing. Allele origin: germline. Affected: no.

NM_003072.5(SMARCA4):c.127A>T (p.Met43Leu)

Gene: SMARCA4 (SWI/SNF related BAF chromatin remodeling complex subunit ATPase 4; plus strand). Cytogenetic location: 19p13.2.
Variant type: single nucleotide variant.
Coding change: c.127A>T on transcript NM_003072.5 (MANE Select); coding-DNA position 127, A replaced by T.
Protein change: p.Met43Leu; replaces methionine 43 with leucine.
Molecular consequence: missense variant. On other transcripts: non-coding transcript variant (1).
Genome position (GRCh38, 1-based): chr19:10,984,278, A>T. VCF-style: chr19-10984278-A-T. GRCh37 (hg19) VCF-style: chr19-11094954-A-T.
Other names: c.127A>T, p.Met43Leu (NM_001128844.3, NM_001128845.2, NM_001128846.2 and 5 more transcripts); short protein forms M43L.
Identifiers: ClinVar variation 484835 (VCV000484835.23), dbSNP rs375812959, ClinGen allele CA305285724.